The following is an entry in ClinVar:

ClinVar aggregate classification (germline): Pathogenic (1 of 4 stars; one submission).

Conditions:
COG5-congenital disorder of glycosylation. Also called: COG5-CDG; CONGENITAL DISORDER OF GLYCOSYLATION, TYPE IIi; CDG IIi. Identifiers: Orphanet 263487, MedGen C3150876, MONDO:0013325, OMIM 613612.

Submission:

Labcorp Genetics (formerly Invitae), Labcorp
Classification: Pathogenic for COG5-congenital disorder of glycosylation. Last evaluated: 2023-01-14. Review status: criteria provided, single submitter. Criteria: Invitae Variant Classification Sherloc (09022015). Collection method: clinical testing. Allele origin: germline.
Comment: For these reasons, this variant has been classified as Pathogenic. This variant has not been reported in the literature in individuals affected with COG5-related conditions. This variant is a gross deletion of the genomic region encompassing exon(s) 6 of the COG5 gene. This deletion is out-of-frame, and is expected to create a premature termination codon and result in an absent or disrupted protein product. Loss-of-function variants in COG5 are known to be pathogenic (PMID: 23228021).

Literature cited by the submitters: PubMed 23228021.

NC_000007.13:g.(?_107167662)_(107167822_?)del

Gene: COG5 (component of oligomeric golgi complex 5; minus strand). Cytogenetic location: 7q22.3.
Variant type: Deletion.
Identifiers: ClinVar variation 1458630 (VCV001458630.5).